The following is an entry in ClinVar:

NM_015045.5(WAPL):c.3071T>A (p.Leu1024Ter)

Gene: WAPL (WAPL cohesin release factor; minus strand). Cytogenetic location: 10q23.2.
Variant type: single nucleotide variant.
Coding change: c.3071T>A on transcript NM_015045.5 (MANE Select); coding-DNA position 3071, T replaced by A.
Protein change: p.Leu1024Ter; replaces leucine 1024 with a stop codon.
Molecular consequence: nonsense.
Genome position (GRCh38, 1-based): chr10:86,452,010, A>T on the plus strand (T>A on the coding strand, the complement: WAPL is on the minus strand). VCF-style: chr10-86452010-A-T. GRCh37 (hg19) VCF-style: chr10-88211767-A-T.
Other names: c.3053T>A, p.Leu1018Ter (NM_001318328.2); short protein forms L1024*, L1018*.
Identifiers: ClinVar variation 5008430 (VCV005008430.1).
Genomic context (GRCh38, chr10:86,452,010, plus strand): 5'-TTAAAGTGGTTGCTTACCTGCACTAAAGCCTGGACAGCATGAACTTGTCCACCTATCCTT[A>T]AACTATCATCCCCTTCTCCACTACAGATGGAAGAATCAAAAGAGCACGATGTTTCCATGT-3'

ClinVar aggregate classification (germline): Uncertain significance (1 of 4 stars; one submission).

Submission:

GeneDx
Classification: Uncertain significance. Last evaluated: 2026-03-02. Review status: criteria provided, single submitter. Criteria: GeneDx Variant Classification Process June 2021. Collection method: clinical testing. Allele origin: germline.
Comment: Not observed at significant frequency in large population cohorts (gnomAD); Nonsense variant predicted to result in protein truncation or nonsense mediated decay in a gene or region of a gene for which loss of function is not a well-established mechanism of disease; Has not been previously published as pathogenic or benign to our knowledge; Variants in candidate genes are classified as variants of uncertain significance in accordance with ACMG guidelines (PMID: 25741868)